The following is an entry in ClinVar:

NM_000521.4(HEXB):c.863_864del (p.Glu288fs)

Gene: HEXB (hexosaminidase subunit beta; plus strand). Cytogenetic location: 5q13.3.
Variant type: Deletion.
Coding change: c.863_864del on transcript NM_000521.4 (MANE Select); coding-DNA positions 863 to 864, 2 bases deleted (AA; older notation c.863_864delAA).
Protein change: p.Glu288fs; shifts the reading frame from glutamic acid 288.
Molecular consequence: frameshift variant.
Genome position (GRCh38, 1-based): chr5:74,713,597-74,713,598, AA deleted. VCF-style (leftmost placement, unchanged base first): chr5-74713596-GAA-G. GRCh37 (hg19) VCF-style: chr5-74009421-GAA-G.
Other names: c.188_189del, p.Glu63fs (NM_001292004.2); short protein forms E288fs, E63fs.
Identifiers: ClinVar variation 5015474 (VCV005015474.1).

ClinVar aggregate classification (germline): Pathogenic (1 of 4 stars; one submission).

Conditions:
Sandhoff disease. Also called: HEXOSAMINIDASES A AND B DEFICIENCY; Beta-hexosaminidase-beta-subunit deficiency; GM2 gangliosidosis, type 2; Total hexosaminidase deficiency; Sandhoff-Jatzkewitz-Pilz disease; GM2-GANGLIOSIDOSIS, TYPE II. Identifiers: Orphanet 796, MedGen C0036161, MONDO:0010006, OMIM 268800.

Submission:

Myriad Genetics, Inc.
Classification: Pathogenic for Sandhoff disease. Last evaluated: 2026-01-24. Review status: criteria provided, single submitter. Criteria: Myriad Autosomal Dominant, Autosomal Recessive and X-Linked Classification Criteria (2023). Collection method: clinical testing. Allele origin: unknown.
Comment: NM_000521.3(HEXB):c.863_864delAA(E288Vfs*2) is expected to be pathogenic in the context of Sandhoff disease. This variant is predicted to lead to an abnormal or absent protein product due to the creation of a premature termination codon in HEXB, a gene where loss-of-function variants are known to be pathogenic. Please note: this variant was assessed in the context of healthy population screening.